The following is an entry in ClinVar:

NM_000350.3(ABCA4):c.4667+2T>C

Gene: ABCA4 (ATP binding cassette subfamily A member 4; minus strand). Cytogenetic location: 1p22.1.
Variant type: single nucleotide variant.
Coding change: c.4667+2T>C on transcript NM_000350.3 (MANE Select); the canonical splice donor site of the intron after coding-DNA position 4667, T replaced by C.
Molecular consequence: splice donor variant.
Genome position (GRCh38, 1-based): chr1:94,023,384, A>G on the plus strand (T>C on the coding strand, the complement: ABCA4 is on the minus strand). VCF-style: chr1-94023384-A-G. GRCh37 (hg19) VCF-style: chr1-94488940-A-G.
Identifiers: ClinVar variation 99307 (VCV000099307.3), dbSNP rs61752436, ClinGen allele CA227223.

ClinVar aggregate classification (germline): Pathogenic. Review status: criteria provided, multiple submitters, no conflicts (2 of 4 stars). 3 submissions from 3 submitters: Pathogenic (2). 1 of the submissions does not count toward it. Last evaluated 2026-01-27.

Conditions:
ABCA4-related disorder. Also called: ABCA4-related disorders; ABCA4-related condition. Identifiers: MedGen CN239167.

Allele frequency attached by ClinVar (database versions not stated): gnomAD exomes below 0.00001 and 0.00001; ExAC 0.00001.
gnomAD v4.1: 3 of 1,604,416 alleles (0.00019%); highest among the groups gnomAD compares: Non-Finnish European, 0.00017%; no homozygotes.

Submissions (3):

Labcorp Genetics (formerly Invitae), Labcorp
Classification: Pathogenic. Last evaluated: 2026-01-27. Review status: criteria provided, single submitter. Criteria: Invitae Variant Classification Sherloc (09022015). Collection method: clinical testing. Allele origin: germline.
Comment: This sequence change affects a donor splice site in intron 32 of the ABCA4 gene. It is expected to disrupt RNA splicing. Variants that disrupt the donor or acceptor splice site typically lead to a loss of protein function (PMID: 16199547), and loss-of-function variants in ABCA4 are known to be pathogenic (PMID: 10958761, 24938718, 25312043, 26780318). The frequency data for this variant in the population databases is considered unreliable, as metrics indicate poor data quality at this position in the gnomAD database. Disruption of this splice site has been observed in individuals with ABCA4-related conditions (PMID: 9781034, 15192030, 24409374, 24713488, 28365912, 36460718). ClinVar contains an entry for this variant (Variation ID: 99307). Algorithms developed to predict the effect of sequence changes on RNA splicing suggest that this variant may disrupt the consensus splice site. For these reasons, this variant has been classified as Pathogenic.

Blueprint Genetics
Classification: Pathogenic for ABCA4-related disorders. Last evaluated: 2021-11-04. Review status: criteria provided, single submitter. Criteria: ACMG Guidelines, 2015. Collection method: clinical testing. Allele origin: germline. Affected: yes. Observed: 2 variant alleles.

Retina International
No classification provided. Review status: no classification provided. Collection method: not provided. Allele origin: not provided. Not counted in ClinVar's aggregate classification.

Literature cited by the submitters: PubMed 16199547 (cited by Labcorp Genetics (formerly Invitae), Labcorp); PubMed 10958761 (cited by Labcorp Genetics (formerly Invitae), Labcorp); PubMed 24938718 (cited by Labcorp Genetics (formerly Invitae), Labcorp); PubMed 25312043 (cited by Labcorp Genetics (formerly Invitae), Labcorp); PubMed 26780318 (cited by Labcorp Genetics (formerly Invitae), Labcorp); PubMed 9781034 (cited by Labcorp Genetics (formerly Invitae), Labcorp); PubMed 15192030 (cited by Labcorp Genetics (formerly Invitae), Labcorp); PubMed 24409374 (cited by Labcorp Genetics (formerly Invitae), Labcorp); PubMed 24713488 (cited by Labcorp Genetics (formerly Invitae), Labcorp); PubMed 28365912 (cited by Labcorp Genetics (formerly Invitae), Labcorp); PubMed 36460718 (cited by Labcorp Genetics (formerly Invitae), Labcorp).